The following is an entry in ClinVar:

NM_003906.5(MCM3AP):c.2232G>A (p.Thr744=)

Gene: MCM3AP (minichromosome maintenance complex component 3 associated protein; minus strand). Cytogenetic location: 21q22.3.
Variant type: single nucleotide variant.
Coding change: c.2232G>A on transcript NM_003906.5 (MANE Select); coding-DNA position 2232, G replaced by A.
Protein change: p.Thr744=; no amino-acid change (threonine 744 retained).
Molecular consequence: synonymous variant.
Genome position (GRCh38, 1-based): chr21:46,272,794, C>T on the plus strand (G>A on the coding strand, the complement: MCM3AP is on the minus strand). VCF-style: chr21-46272794-C-T. GRCh37 (hg19) VCF-style: chr21-47692708-C-T.
Identifiers: ClinVar variation 2174593 (VCV002174593.1), dbSNP rs2081198452, ClinGen allele CA512728452.

ClinVar aggregate classification (germline): Uncertain significance (1 of 4 stars; one submission).

Allele frequency attached by ClinVar (database versions not stated): gnomAD exomes 0.00001; TOPMed 0.00001.
gnomAD v4.1: 5 of 1,608,236 alleles (0.00031%); highest among the groups gnomAD compares: South Asian, 0.0011%; no homozygotes.

Submission:

Labcorp Genetics (formerly Invitae), Labcorp
Classification: Uncertain significance. Last evaluated: 2022-10-26. Review status: criteria provided, single submitter. Criteria: Invitae Variant Classification Sherloc (09022015). Collection method: clinical testing. Allele origin: germline.
Comment: This sequence change affects codon 744 of the MCM3AP mRNA. It is a 'silent' change, meaning that it does not change the encoded amino acid sequence of the MCM3AP protein. This variant is not present in population databases (gnomAD no frequency). This variant has not been reported in the literature in individuals affected with MCM3AP-related conditions. Algorithms developed to predict the effect of sequence changes on RNA splicing suggest that this variant may disrupt the consensus splice site. In summary, the available evidence is currently insufficient to determine the role of this variant in disease. Therefore, it has been classified as a Variant of Uncertain Significance.